The following is an entry in ClinVar:

NM_001040458.3(ERAP1):c.1583A>G (p.Lys528Arg)

Gene: ERAP1 (endoplasmic reticulum aminopeptidase 1; minus strand). Cytogenetic location: 5q15.
Variant type: single nucleotide variant.
Coding change: c.1583A>G on transcript NM_001040458.3 (MANE Select); coding-DNA position 1583, A replaced by G.
Protein change: p.Lys528Arg; replaces lysine 528 with arginine.
Molecular consequence: missense variant.
Genome position (GRCh38, 1-based): chr5:96,788,627, T>C on the plus strand (A>G on the coding strand, the complement: ERAP1 is on the minus strand). VCF-style: chr5-96788627-T-C. GRCh37 (hg19) VCF-style: chr5-96124330-T-C.
Other names: c.1583A>G, p.Lys528Arg (NM_001198541.3, NM_001349244.2, NM_016442.5); short protein forms K528R.
Identifiers: ClinVar variation 2688359 (VCV002688359.2), dbSNP rs30187, ClinGen allele CA3352212.

ClinVar aggregate classification (germline): Benign (1 of 4 stars; one submission).

Allele frequency attached by ClinVar (database versions not stated): 1000 Genomes Project 30x 0.59510; 1000 Genomes Project 0.59625; TOPMed 0.61689; ExAC 0.62110; gnomAD 0.62621; ESP Exome Variant Server 0.62756; gnomAD exomes 0.64671.
gnomAD v4.1: 1,038,838 of 1,613,788 alleles (64%); highest among the groups gnomAD compares: Non-Finnish European, 66%; 336,155 homozygotes.

Submission:

Unidad de Genómica Garrahan, Hospital de Pediatría Garrahan
Classification: Benign. Last evaluated: 2024-01-24. Review status: criteria provided, single submitter. Criteria: ACMG Guidelines, 2015. Collection method: clinical testing. Allele origin: germline. Affected: no. Observed: 69 variant alleles.
Comment: This variant is classified as Benign based on local population frequency. This variant was detected in 78% of patients studied by a panel of primary immunodeficiencies. Number of patients: 69. Only high quality variants are reported.